The following is an entry in ClinVar:

ClinVar aggregate classification (germline): Uncertain significance (1 of 4 stars; one submission).

Conditions:
Alstrom syndrome (ALMS). Identifiers: Orphanet 64, MedGen C0268425, MONDO:0008763, OMIM 203800.

Submission:

Labcorp Genetics (formerly Invitae), Labcorp
Classification: Uncertain significance for Alstrom syndrome. Last evaluated: 2017-12-04. Review status: criteria provided, single submitter. Criteria: Invitae Variant Classification Sherloc (09022015). Collection method: clinical testing. Allele origin: germline.
Comment: This sequence change replaces phenylalanine with cysteine at codon 1906 of the ALMS1 protein (p.Phe1906Cys). The phenylalanine residue is moderately conserved and there is a large physicochemical difference between phenylalanine and cysteine. This variant is not present in population databases (ExAC no frequency). This variant has not been reported in the literature in individuals with ALMS1-related disease. Algorithms developed to predict the effect of missense changes on protein structure and function do not agree on the potential impact of this missense change (SIFT: "Deleterious"; PolyPhen-2: "Probably Damaging"; Align-GVGD: "Class C0"). In summary, the available evidence is currently insufficient to determine the role of this variant in disease. Therefore, it has been classified as a Variant of Uncertain Significance.

NM_001378454.1(ALMS1):c.5714T>G (p.Phe1905Cys)

Gene: ALMS1 (ALMS1 centrosome and basal body associated protein; plus strand). Cytogenetic location: 2p13.1.
Variant type: single nucleotide variant.
Coding change: c.5714T>G on transcript NM_001378454.1 (MANE Select); coding-DNA position 5714, T replaced by G.
Protein change: p.Phe1905Cys; replaces phenylalanine 1905 with cysteine.
Molecular consequence: missense variant.
Genome position (GRCh38, 1-based): chr2:73,452,241, T>G. VCF-style: chr2-73452241-T-G. GRCh37 (hg19) VCF-style: chr2-73679368-T-G.
Other names: c.5717T>G, p.Phe1906Cys (NM_015120.4); short protein forms F1906C, F1905C.
Identifiers: ClinVar variation 529377 (VCV000529377.7), dbSNP rs1553404125, ClinGen allele CA347283066.